The following is an entry in ClinVar:

ClinVar aggregate classification (germline): Conflicting classifications of pathogenicity. Review status: criteria provided, conflicting classifications (1 of 4 stars). 2 submissions from 2 submitters: Uncertain significance (1); Likely benign (1). Last evaluated 2025-10-22.

Conditions:
Inborn genetic diseases. Identifiers: MedGen C0950123, MeSH D030342.
Glutamate formiminotransferase deficiency. Also called: Arakawa syndrome 1; Formiminoglutamic aciduria. Identifiers: Orphanet 51208, MedGen C0268609, MONDO:0009240, OMIM 229100.

Allele frequency attached by ClinVar (database versions not stated): ESP Exome Variant Server 0.00008; ExAC 0.00012; gnomAD 0.00016.

Submissions (2):

Labcorp Genetics (formerly Invitae), Labcorp
Classification: Uncertain significance for Glutamate formiminotransferase deficiency. Last evaluated: 2025-10-22. Review status: criteria provided, single submitter. Criteria: Invitae Variant Classification Sherloc (09022015). Collection method: clinical testing. Allele origin: germline.
Comment: This sequence change replaces glycine, which is neutral and non-polar, with serine, which is neutral and polar, at codon 191 of the FTCD protein (p.Gly191Ser). This variant is present in population databases (rs376603123, gnomAD 0.02%). This variant has not been reported in the literature in individuals affected with FTCD-related conditions. ClinVar contains an entry for this variant (Variation ID: 1385667). Invitae Evidence Modeling of protein sequence and biophysical properties (such as structural, functional, and spatial information, amino acid conservation, physicochemical variation, residue mobility, and thermodynamic stability) indicates that this missense variant is not expected to disrupt FTCD protein function with a negative predictive value of 80%. Algorithms developed to predict the effect of sequence changes on RNA splicing suggest that this variant may create or strengthen a splice site. In summary, the available evidence is currently insufficient to determine the role of this variant in disease. Therefore, it has been classified as a Variant of Uncertain Significance.

Ambry Genetics
Classification: Likely benign for Inborn genetic diseases. Last evaluated: 2024-03-28. Review status: criteria provided, single submitter. Criteria: Ambry Variant Classification Scheme 2023. Collection method: clinical testing. Allele origin: germline.

NM_206965.2(FTCD):c.571G>A (p.Gly191Ser)

Genes: FTCD-AS1 (FTCD antisense RNA 1; plus strand), FTCD (formimidoyltransferase cyclodeaminase; minus strand). Cytogenetic location: 21q22.3.
Variant type: single nucleotide variant.
Coding change: c.571G>A on transcript NM_206965.2 (MANE Select); coding-DNA position 571, G replaced by A.
Protein change: p.Gly191Ser; replaces glycine 191 with serine.
Molecular consequence: missense variant.
Genome position (GRCh38, 1-based): chr21:46,151,623, C>T on the plus strand (G>A on the coding strand, the complement: FTCD is on the minus strand). VCF-style: chr21-46151623-C-T. GRCh37 (hg19) VCF-style: chr21-47571537-C-T.
Other names: c.571G>A, p.Gly191Ser (NM_001320412.2, NM_006657.3); short protein forms G191S.
Identifiers: ClinVar variation 1385667 (VCV001385667.6), dbSNP rs376603123, ClinGen allele CA10073827.